The following is an entry in ClinVar:

ClinVar aggregate classification (germline): Uncertain significance (1 of 4 stars; one submission).

Conditions:
Combined immunodeficiency due to DOCK8 deficiency (HIES2). Also called: HIES autosomal recessive; HYPER-IgE SYNDROME 2, AUTOSOMAL RECESSIVE, WITH RECURRENT INFECTIONS; DOCK8 Deficiency; Hyper-IgE recurrent infection syndrome, autosomal recessive; HYPER-IgE RECURRENT INFECTION SYNDROME 2, AUTOSOMAL RECESSIVE. Identifiers: Orphanet 217390, MedGen C4722305, MONDO:0009478, OMIM 243700.

Submission:

Labcorp Genetics (formerly Invitae), Labcorp
Classification: Uncertain significance for Combined immunodeficiency due to DOCK8 deficiency. Last evaluated: 2019-01-04. Review status: criteria provided, single submitter. Criteria: Invitae Variant Classification Sherloc (09022015). Collection method: clinical testing. Allele origin: germline.
Comment: In summary, the available evidence is currently insufficient to determine the role of this variant in disease. Therefore, it has been classified as a Variant of Uncertain Significance. Algorithms developed to predict the effect of missense changes on protein structure and function are either unavailable or do not agree on the potential impact of this missense change (SIFT: "Tolerated"; PolyPhen-2: "Possibly Damaging"; Align-GVGD: "Class C0"). This variant has not been reported in the literature in individuals with DOCK8-related conditions. This variant is not present in population databases (ExAC no frequency). This sequence change replaces alanine with glycine at codon 1970 of the DOCK8 protein (p.Ala1970Gly). The alanine residue is moderately conserved and there is a small physicochemical difference between alanine and glycine.

NM_203447.4(DOCK8):c.5909C>G (p.Ala1970Gly)

Gene: DOCK8 (dedicator of cytokinesis 8; plus strand). Cytogenetic location: 9p24.3.
Variant type: single nucleotide variant.
Coding change: c.5909C>G on transcript NM_203447.4 (MANE Select); coding-DNA position 5909, C replaced by G.
Protein change: p.Ala1970Gly; replaces alanine 1970 with glycine.
Molecular consequence: missense variant.
Genome position (GRCh38, 1-based): chr9:449,875, C>G. VCF-style: chr9-449875-C-G. GRCh37 (hg19) VCF-style: chr9-449875-C-G.
Other names: c.5609C>G, p.Ala1870Gly (NM_001190458.2); c.5705C>G, p.Ala1902Gly (NM_001193536.2); short protein forms A1970G, A1870G, A1902G.
Identifiers: ClinVar variation 838967 (VCV000838967.10), dbSNP rs2057374972, ClinGen allele CA372769498.